The following is an entry in ClinVar:

ClinVar aggregate classification (germline): Uncertain significance (1 of 4 stars; one submission).

Allele frequency attached by ClinVar (database versions not stated): gnomAD exomes below 0.00001 and 0.00001; TOPMed below 0.00001; ExAC 0.00001; gnomAD 0.00001.

Submission:

GeneDx
Classification: Uncertain significance. Last evaluated: 2019-09-17. Review status: criteria provided, single submitter. Criteria: GeneDx Variant Classification Process June 2021. Collection method: clinical testing. Allele origin: germline. Affected: yes.
Comment: Not observed at a significant frequency in large population cohorts (Lek et al., 2016); In silico analysis, which includes protein predictors and evolutionary conservation, supports a deleterious effect; Has not been previously published as pathogenic or benign to our knowledge

NM_001365999.1(SZT2):c.8378A>G (p.His2793Arg)

Gene: SZT2 (SZT2 subunit of KICSTOR complex; plus strand). Cytogenetic location: 1p34.2.
Variant type: single nucleotide variant.
Coding change: c.8378A>G on transcript NM_001365999.1 (MANE Select); coding-DNA position 8378, A replaced by G.
Protein change: p.His2793Arg; replaces histidine 2793 with arginine.
Molecular consequence: missense variant.
Genome position (GRCh38, 1-based): chr1:43,443,045, A>G. VCF-style: chr1-43443045-A-G. GRCh37 (hg19) VCF-style: chr1-43908716-A-G.
Other names: c.8207A>G, p.His2736Arg (NM_015284.4); short protein forms H2736R, H2793R.
Identifiers: ClinVar variation 1312320 (VCV001312320.2), dbSNP rs753854962, ClinGen allele CA810519.
Genomic context (GRCh38, chr1:43,443,045, plus strand): 5'-CTGCCCGCCCCAGCTCCGTACTTGGTCCTGTGCCCAGACCTCCTGATCCTGTCACCTACC[A>G]TGGACAACAGTTCCTAGAGATCAAGATGGCAGAGCGCAGAGGTGAGGGTACTGGGCCAGG-3'
Protein context (NP_001352928.1, residues 2783-2803): VPRPPDPVTY[His2793Arg]GQQFLEIKMA